The following is an entry in ClinVar:

NM_005732.4(RAD50):c.1927del (p.Asp643fs)

Gene: RAD50 (RAD50 double strand break repair protein; plus strand). Cytogenetic location: 5q31.1.
Variant type: Deletion.
Coding change: c.1927del on transcript NM_005732.4 (MANE Select); coding-DNA position 1927, one base deleted (G; older notation c.1927delG).
Protein change: p.Asp643fs; shifts the reading frame from aspartic acid 643.
Molecular consequence: frameshift variant.
Genome position (GRCh38, 1-based): chr5:132,595,002, G deleted. VCF-style (leftmost placement, unchanged base first): chr5-132595001-AG-A. GRCh37 (hg19) VCF-style: chr5-131930693-AG-A.
Other names: short protein forms D643fs.
Identifiers: ClinVar variation 1443797 (VCV001443797.6), dbSNP rs2149843762, ClinGen allele CA2573139008.
Genomic context (GRCh38, chr5:132,595,001, plus strand): 5'-GTCCAGTTACGAAGACAAGCTGTTTGATGTTTGTGGTAGCCAGGATTTTGAAAGTGATTT[AG>A]ACAGGCTTAAAGAGGAAATTGAAAAATCATCAAAACAGCGAGGTAAGTTGTCTACTTTAT-3'

ClinVar aggregate classification (germline): Pathogenic (1 of 4 stars; one submission).

Conditions:
Hereditary cancer-predisposing syndrome. Also called: Tumor predisposition; Hereditary Cancer Syndrome; Hereditary neoplastic syndrome; Neoplastic Syndromes, Hereditary. Identifiers: Orphanet 140162, MedGen C0027672, MeSH D009386, MONDO:0015356.

Submission:

Labcorp Genetics (formerly Invitae), Labcorp
Classification: Pathogenic for Hereditary cancer-predisposing syndrome. Last evaluated: 2021-09-29. Review status: criteria provided, single submitter. Criteria: Invitae Variant Classification Sherloc (09022015). Collection method: clinical testing. Allele origin: germline.
Comment: For these reasons, this variant has been classified as Pathogenic. This sequence change creates a premature translational stop signal (p.Asp643Thrfs*31) in the RAD50 gene. It is expected to result in an absent or disrupted protein product. Loss-of-function variants in RAD50 are known to be pathogenic (PMID: 16385572, 19409520). This variant is not present in population databases (ExAC no frequency). This variant has not been reported in the literature in individuals with RAD50-related conditions.

Literature cited by the submitters: PubMed 16385572; PubMed 19409520.